The following is an entry in ClinVar:

NM_020708.5(SLC12A5):c.1936C>T (p.Arg646Ter)

Gene: SLC12A5 (solute carrier family 12 member 5; plus strand). Cytogenetic location: 20q13.12.
Variant type: single nucleotide variant.
Coding change: c.1936C>T on transcript NM_020708.5 (MANE Select); coding-DNA position 1936, C replaced by T.
Protein change: p.Arg646Ter; replaces arginine 646 with a stop codon.
Molecular consequence: nonsense.
Genome position (GRCh38, 1-based): chr20:46,048,009, C>T. VCF-style: chr20-46048009-C-T. GRCh37 (hg19) VCF-style: chr20-44676648-C-T.
Other names: c.2005C>T, p.Arg669Ter (NM_001134771.2); short protein forms R669*, R646*.
Identifiers: ClinVar variation 2123969 (VCV002123969.4), dbSNP rs771263913, ClinGen allele CA409200248.

ClinVar aggregate classification (germline): Pathogenic (1 of 4 stars; one submission).

Conditions:
Developmental and epileptic encephalopathy, 34 (DEE34). Also called: SLC12A5-Related Epilepsy of Infancy with Migrating Focal Seizures; Early infantile epileptic encephalopathy 34. Identifiers: Orphanet 293181, MedGen C4225257, MONDO:0014718, OMIM 616645.

gnomAD v4.1: 3 of 1,612,176 alleles (0.00019%); highest among the groups gnomAD compares: Non-Finnish European, 0.00017%; no homozygotes.

Submission:

Labcorp Genetics (formerly Invitae), Labcorp
Classification: Pathogenic for Developmental and epileptic encephalopathy, 34. Last evaluated: 2022-04-09. Review status: criteria provided, single submitter. Criteria: Invitae Variant Classification Sherloc (09022015). Collection method: clinical testing. Allele origin: germline.
Comment: For these reasons, this variant has been classified as Pathogenic. Algorithms developed to predict the effect of sequence changes on RNA splicing suggest that this variant may disrupt the consensus splice site. This variant has not been reported in the literature in individuals affected with SLC12A5-related conditions. This variant is not present in population databases (gnomAD no frequency). This sequence change creates a premature translational stop signal (p.Arg646*) in the SLC12A5 gene. It is expected to result in an absent or disrupted protein product. Loss-of-function variants in SLC12A5 are known to be pathogenic (PMID: 26333769, 27436767).

Literature cited by the submitters: PubMed 26333769; PubMed 27436767.